The following is an entry in ClinVar:

ClinVar aggregate classification (germline): Pathogenic (1 of 4 stars; one submission).

Conditions:
Neurofibromatosis, type 1 (NF1). Also called: Peripheral type neurofibromatosis; VON RECKLINGHAUSEN DISEASE; NEUROFIBROMATOSIS, TYPE I, SOMATIC; Neurofibromatosis, type I. Identifiers: Orphanet 636, MedGen C0027831, MONDO:0018975, OMIM 162200. Disease mechanism: loss of function.

Submission:

Labcorp Genetics (formerly Invitae), Labcorp
Classification: Pathogenic for Neurofibromatosis, type 1. Last evaluated: 2025-08-17. Review status: criteria provided, single submitter. Criteria: Invitae Variant Classification Sherloc (09022015). Collection method: clinical testing. Allele origin: germline.
Comment: This sequence change creates a premature translational stop signal (p.Asp646Glyfs*3) in the NF1 gene. It is expected to result in an absent or disrupted protein product. Loss-of-function variants in NF1 are known to be pathogenic (PMID: 10712197, 23913538). This variant is not present in population databases (gnomAD no frequency). This variant has not been reported in the literature in individuals affected with NF1-related conditions. ClinVar contains an entry for this variant (Variation ID: 3663998). Algorithms developed to predict the effect of sequence changes on RNA splicing suggest that this variant may disrupt the consensus splice site. For these reasons, this variant has been classified as Pathogenic.

Literature cited by the submitters: PubMed 10712197; PubMed 23913538.

NM_001042492.3(NF1):c.1936dup (p.Asp646fs)

Gene: NF1 (neurofibromin 1; plus strand). Cytogenetic location: 17q11.2.
Variant type: Duplication.
Coding change: c.1936dup on transcript NM_001042492.3 (MANE Select); coding-DNA position 1936, one base duplicated (G; older notation c.1936dupG).
Protein change: p.Asp646fs; shifts the reading frame from aspartic acid 646.
Molecular consequence: frameshift variant.
Genome position (GRCh38, 1-based): chr17:31,225,185, G duplicated; the last of 2 consecutive G bases (chr17:31,225,184-31,225,185); duplicating either gives the same sequence. VCF-style (leftmost placement, unchanged base first): chr17-31225183-T-TG. GRCh37 (hg19) VCF-style: chr17-29552201-T-TG.
Other names: c.1936dup, p.Asp646Glyfs (NM_000267.4); short protein forms D646fs.
Identifiers: ClinVar variation 3663998 (VCV003663998.2).